The following is an entry in ClinVar:

NC_000016.9:g.(?_2108728)_(2108894_?)del

Gene: TSC2 (TSC complex subunit 2; plus strand). Cytogenetic location: 16p13.3.
Variant type: Deletion.
Identifiers: ClinVar variation 2423282 (VCV002423282.4).

ClinVar aggregate classification (germline): Pathogenic (1 of 4 stars; one submission).

Conditions:
Tuberous sclerosis 2 (TSC2). Identifiers: Orphanet 805, MedGen C1860707, MONDO:0013199, OMIM 613254.

Submission:

Labcorp Genetics (formerly Invitae), Labcorp
Classification: Pathogenic for Tuberous sclerosis 2. Last evaluated: 2022-09-22. Review status: criteria provided, single submitter. Criteria: Invitae Variant Classification Sherloc (09022015). Collection method: clinical testing. Allele origin: germline.
Comment: This variant is a gross deletion of the genomic region encompassing exon(s) 10 of the TSC2 gene. This deletion is out-of-frame, and is expected to create a premature termination codon and result in an absent or disrupted protein product. Loss-of-function variants in TSC2 are known to be pathogenic (PMID: 10205261, 17304050). A similar copy number variant has been observed in individual(s) with tuberous sclerosis (PMID: 11112665). For these reasons, this variant has been classified as Pathogenic. This variant is also known as 465-bp deletion, introns 9‚Äì10.

Literature cited by the submitters: PubMed 10205261; PubMed 17304050; PubMed 11112665.